The following is an entry in ClinVar:

NM_018713.3(SLC30A10):c.451C>T (p.Arg151Cys)

Gene: SLC30A10 (solute carrier family 30 member 10; minus strand). Cytogenetic location: 1q41.
Variant type: single nucleotide variant.
Coding change: c.451C>T on transcript NM_018713.3 (MANE Select); coding-DNA position 451, C replaced by T.
Protein change: p.Arg151Cys; replaces arginine 151 with cysteine.
Molecular consequence: missense variant. On other transcripts: non-coding transcript variant (1), intron variant (1).
Genome position (GRCh38, 1-based): chr1:219,927,990, G>A on the plus strand (C>T on the coding strand, the complement: SLC30A10 is on the minus strand). VCF-style: chr1-219927990-G-A. GRCh37 (hg19) VCF-style: chr1-220101332-G-A.
Other names: c.452-885C>T (NM_001376929.1); short protein forms R151C.
Identifiers: ClinVar variation 1486740 (VCV001486740.4), dbSNP rs1421201504, ClinGen allele CA344733607.

ClinVar aggregate classification (germline): Uncertain significance (1 of 4 stars; one submission).

Allele frequency attached by ClinVar (database versions not stated): gnomAD exomes 0.00001 and 0.00003; gnomAD 0.00005; TOPMed 0.00005.

Submission:

Labcorp Genetics (formerly Invitae), Labcorp
Classification: Uncertain significance. Last evaluated: 2023-08-10. Review status: criteria provided, single submitter. Criteria: Invitae Variant Classification Sherloc (09022015). Collection method: clinical testing. Allele origin: germline.
Comment: In summary, the available evidence is currently insufficient to determine the role of this variant in disease. Therefore, it has been classified as a Variant of Uncertain Significance. Advanced modeling of protein sequence and biophysical properties (such as structural, functional, and spatial information, amino acid conservation, physicochemical variation, residue mobility, and thermodynamic stability) performed at Invitae indicates that this missense variant is not expected to disrupt SLC30A10 protein function. ClinVar contains an entry for this variant (Variation ID: 1486740). This variant has not been reported in the literature in individuals affected with SLC30A10-related conditions. This variant is present in population databases (no rsID available, gnomAD 0.008%). This sequence change replaces arginine, which is basic and polar, with cysteine, which is neutral and slightly polar, at codon 151 of the SLC30A10 protein (p.Arg151Cys).